The following is an entry in ClinVar:

NM_207122.2(EXT2):c.28C>T (p.Arg10Trp)

Gene: EXT2 (exostosin glycosyltransferase 2; plus strand). Cytogenetic location: 11p11.2.
Variant type: single nucleotide variant.
Coding change: c.28C>T on transcript NM_207122.2 (MANE Select); coding-DNA position 28, C replaced by T.
Protein change: p.Arg10Trp; replaces arginine 10 with tryptophan.
Molecular consequence: missense variant.
Genome position (GRCh38, 1-based): chr11:44,107,740, C>T. VCF-style: chr11-44107740-C-T. GRCh37 (hg19) VCF-style: chr11-44129290-C-T.
Other names: c.127C>T, p.Arg43Trp (NM_000401.3); c.28C>T, p.Arg10Trp (NM_001178083.3, NM_001389628.1, NM_001389630.1); short protein forms R10W, R43W.
Identifiers: ClinVar variation 2169909 (VCV002169909.5), dbSNP rs4755228, ClinGen allele CA5954808.
Genomic context (GRCh38, chr11:44,107,740, plus strand): 5'-CAGGAGTGTGAGGAAGAGGCTGTCTGTGTCATTATGTGTGCGTCGGTCAAGTATAATATC[C>T]GGGGTCCTGCCCTCATCCCAAGAATGAAGACCAAGCACCGAATCTACTATATCACCCTCT-3'
Protein context (NP_997005.1, residues 1-20): MCASVKYNI[Arg10Trp]GPALIPRMKT

ClinVar aggregate classification (germline): Uncertain significance. Review status: criteria provided, multiple submitters, no conflicts (2 of 4 stars). 2 submissions from 2 submitters: Uncertain significance (2). Last evaluated 2023-07-19.

Conditions:
Exostoses, multiple, type 2 (EXT2). Also called: Hereditary Multiple Osteochondromatosis, Type II; EXOSTOSES, MULTIPLE, TYPE II. Identifiers: Orphanet 321, MedGen C1851413, MONDO:0007586, OMIM 133701.

gnomAD v4.1: 6 of 1,614,024 alleles (0.00037%); highest among the groups gnomAD compares: East Asian, 0.0022%; no homozygotes.

Submissions (2):

Baylor Genetics
Classification: Uncertain significance for Exostoses, multiple, type 2. Last evaluated: 2023-07-19. Review status: criteria provided, single submitter. Criteria: ACMG Guidelines, 2015. Collection method: clinical testing. Allele origin: unknown.

Labcorp Genetics (formerly Invitae), Labcorp
Classification: Uncertain significance for Exostoses, multiple, type 2. Last evaluated: 2022-09-01. Review status: criteria provided, single submitter. Criteria: Invitae Variant Classification Sherloc (09022015). Collection method: clinical testing. Allele origin: germline.
Comment: This sequence change replaces arginine, which is basic and polar, with tryptophan, which is neutral and slightly polar, at codon 10 of the EXT2 protein (p.Arg10Trp). This variant is present in population databases (rs4755228, gnomAD 0.004%). This variant has not been reported in the literature in individuals affected with EXT2-related conditions. Algorithms developed to predict the effect of missense changes on protein structure and function are either unavailable or do not agree on the potential impact of this missense change (SIFT: "Deleterious"; PolyPhen-2: "Probably Damaging"; Align-GVGD: "Class C0"). In summary, the available evidence is currently insufficient to determine the role of this variant in disease. Therefore, it has been classified as a Variant of Uncertain Significance.